The following is an entry in ClinVar:

ClinVar aggregate classification (germline): Uncertain significance. Review status: criteria provided, multiple submitters, no conflicts (2 of 4 stars). 2 submissions from 2 submitters: Uncertain significance (2). Last evaluated 2022-02-11.

Allele frequency attached by ClinVar (database versions not stated): gnomAD exomes 0.00001; gnomAD 0.00004; ExAC 0.00002; TOPMed 0.00004.
gnomAD v4.1: 9 of 1,614,120 alleles (0.00056%); highest among the groups gnomAD compares: African/African-American, 0.0093%; no homozygotes.

Submissions (2):

Labcorp Genetics (formerly Invitae), Labcorp
Classification: Uncertain significance. Last evaluated: 2022-02-11. Review status: criteria provided, single submitter. Criteria: Invitae Variant Classification Sherloc (09022015). Collection method: clinical testing. Allele origin: germline.
Comment: This sequence change replaces serine, which is neutral and polar, with glycine, which is neutral and non-polar, at codon 345 of the ASAH1 protein (p.Ser345Gly). This variant is present in population databases (rs762741904, gnomAD 0.007%). This missense change has been observed in individual(s) with ASAH1-related conditions (Invitae). It has also been observed to segregate with disease in related individuals. ClinVar contains an entry for this variant (Variation ID: 691803). Algorithms developed to predict the effect of missense changes on protein structure and function are either unavailable or do not agree on the potential impact of this missense change (SIFT: "Deleterious"; PolyPhen-2: "Benign"; Align-GVGD: "Class C0"). In summary, the available evidence is currently insufficient to determine the role of this variant in disease. Therefore, it has been classified as a Variant of Uncertain Significance.

GeneDx
Classification: Uncertain significance. Last evaluated: 2019-01-15. Review status: criteria provided, single submitter. Criteria: GeneDx Variant Classification (06012015). Collection method: clinical testing. Allele origin: germline. Affected: yes.
Comment: A variant of uncertain significance has been identified in the ASAH1 gene. The S345G variant has not been published as a pathogenic variant, nor has it been reported as a benign variant to our knowledge. The S345G variant is not observed at a significant frequency in large population cohorts (Lek et al., 2016). The S345G variant is a non-conservative amino acid substitution, which is likely to impact secondary protein structure as these residues differ in polarity, charge, size and/or other properties. However, in-silico analyses, including protein predictors and evolutionary conservation, support that this variant does not alter protein structure/function. Therefore, based on the currently available information, it is unclear whether this variant is a pathogenic variant or a rare benign variant.

NM_177924.5(ASAH1):c.1033A>G (p.Ser345Gly)

Gene: ASAH1 (N-acylsphingosine amidohydrolase 1; minus strand). Cytogenetic location: 8p22.
Variant type: single nucleotide variant.
Coding change: c.1033A>G on transcript NM_177924.5 (MANE Select); coding-DNA position 1033, A replaced by G.
Protein change: p.Ser345Gly; replaces serine 345 with glycine.
Molecular consequence: missense variant.
Genome position (GRCh38, 1-based): chr8:18,059,349, T>C on the plus strand (A>G on the coding strand, the complement: ASAH1 is on the minus strand). VCF-style: chr8-18059349-T-C. GRCh37 (hg19) VCF-style: chr8-17916858-T-C.
Other names: c.1015A>G, p.Ser339Gly (NM_001127505.3); c.838A>G, p.Ser280Gly (NM_001363743.2); c.1081A>G, p.Ser361Gly (NM_004315.6); short protein forms S280G, S345G, S339G, S361G.
Identifiers: ClinVar variation 691803 (VCV000691803.3), dbSNP rs762741904, ClinGen allele CA4650589.